The following continues an entry in ClinVar:

NM_000051.4(ATM):c.5623C>T (p.Arg1875Ter)

Gene: ATM. ClinVar aggregate classification (germline): Pathogenic. Pathogenic (19).

Submissions 16 to 19 of 19:

Division of Medical Genetics, University of Washington
Classification: Pathogenic for Familial cancer of breast. Last evaluated: 2019-11-14. Review status: criteria provided, single submitter. Criteria: ACMG Guidelines, 2015. Collection method: clinical testing. Allele origin: germline. Affected: no. Study: CSER_CHARM.
Comment: This variant creates a premature stop codon. The variant transcript is predicted to be degraded by nonsense-mediated decay or lead to a truncated protein. Loss of expression of one allele of ATM is a well-established mechanism of disease (Huang2013, Podralska 2014). This variant has been reported in the literature in an individual with breast cancer (Tung 2016) and in individuals with ataxia-telangiectasia (Gilad 1998, Becker-Catania 2000, Reiman 2011). This variant has an allele frequency of 0.00002 in the Broad Institute gnomAD Browser. Thus, this variant is interpreted as pathogenic. PP3

Blueprint Genetics
Classification: Pathogenic for ATM-related disorders. Last evaluated: 2019-05-15. Review status: criteria provided, single submitter. Criteria: ACMG Guidelines, 2015. Collection method: clinical testing. Allele origin: germline. Affected: yes. Observed: 1 variant allele.

Human Genome Sequencing Center Clinical Lab, Baylor College of Medicine
Classification: Pathogenic for Susceptibility to breast cancer; Ataxia-telangiectasia. Last evaluated: 2019-02-25. Review status: criteria provided, single submitter. Criteria: ACMG Guidelines, 2015. Collection method: clinical testing. Allele origin: germline.
Comment: The c.5623C>T (p.Arg1875*) variant in exon 37 of the ATM gene introduces a premature termination codon and is predicted to lead to nonsense-mediated mRNA decay, which is a known disease mechanism for this gene. This variant has been observed in at least two individuals with ataxia telangiectasia (PMID 9450906, 22649200) and multiple individuals with breast cancer (PMID 19781682, 20346647, 21787400,26976419). This variant is extremely rare in a heterozygous state in a large population database (gnomAD). Therefore, the c.5623C>T (p.Arg1875*) variant in the ATM gene is classified as pathogenic.

Academic Department of Medical Genetics, University of Cambridge
Classification: Pathogenic for Hereditary cancer-predisposing syndrome. Last evaluated: 2018-01-26. Review status: criteria provided, single submitter. Criteria: ACMG Guidelines, 2015. Collection method: research. Allele origin: germline. Affected: yes. Observed: 1 heterozygote.
Comment: Application of AMCG guidelines 2015. Used other ClinVar submission evidence where relevant. Loss of heterozygosity in tumours or immunohistochemistry abnormalities considered functional evidence of pathogenicity.

Identified as part of research study of individuals with multiple primary tumours referred for genetic assessment

Literature cited by the submitters: PubMed 23807571 (cited by Labcorp Genetics (formerly Invitae), Labcorp); PubMed 25614872 (cited by Labcorp Genetics (formerly Invitae), Labcorp); PubMed 9450906 (cited by 6 submitters); PubMed 10873394 (cited by 5 submitters); PubMed 21792198 (cited by 6 submitters); PubMed 26976419 (cited by 3 submitters); PubMed 27980538 (cited by Labcorp Genetics (formerly Invitae), Labcorp and Women's Health and Genetics/Laboratory Corporation of America, LabCorp); PubMed 19781682 (cited by 3 submitters); PubMed 21787400 (cited by 4 submitters); PubMed 28779002 (cited by Color Diagnostics, LLC DBA Color Health and Ambry Genetics); PubMed 30549301 (cited by Color Diagnostics, LLC DBA Color Health and Sema4); PubMed 32255556 (cited by 3 submitters); PubMed 33471991 (cited by 3 submitters); PubMed 10677309 (cited by Institute for Genomic Medicine (IGM) Clinical Laboratory, Nationwide Children's Hospital); PubMed 33509806 (cited by Institute for Genomic Medicine (IGM) Clinical Laboratory, Nationwide Children's Hospital); PubMed 30322717 (cited by 3 submitters); PubMed 33436325 (cited by 3 submitters); PubMed 22649200 (cited by 3 submitters); PubMed 19770270 (cited by Ambry Genetics); PubMed 20346647 (cited by Ambry Genetics); PubMed 24120321 (cited by Ambry Genetics); PubMed 33280026 (cited by Ambry Genetics); PubMed 21778326 (cited by Sema4 and Spanish ATM Cancer Susceptibility Variant Interpretation Working Group); PubMed 29625052 (cited by Sema4); PubMed 31050087 (cited by Sema4).